The following is an entry in ClinVar:

NM_145046.5(CALR3):c.723C>A (p.Ser241Arg)

Gene: CALR3 (calreticulin 3; minus strand). Cytogenetic location: 19p13.11.
Variant type: single nucleotide variant.
Coding change: c.723C>A on transcript NM_145046.5 (MANE Select); coding-DNA position 723, C replaced by A.
Protein change: p.Ser241Arg; replaces serine 241 with arginine.
Molecular consequence: missense variant.
Genome position (GRCh38, 1-based): chr19:16,482,741, G>T on the plus strand (C>A on the coding strand, the complement: CALR3 is on the minus strand). VCF-style: chr19-16482741-G-T. GRCh37 (hg19) VCF-style: chr19-16593552-G-T.
Other names: short protein forms S241R.
Identifiers: ClinVar variation 1466533 (VCV001466533.6), dbSNP rs753171373, ClinGen allele CA9278310.

ClinVar aggregate classification (germline): Uncertain significance (1 of 4 stars; one submission).

Conditions:
Hypertrophic cardiomyopathy 19. Also called: Familial hypertrophic cardiomyopathy 19. Identifiers: MedGen CN077603, MONDO:0013476.

gnomAD v4.1: 24 of 1,613,700 alleles (0.0015%); highest among the groups gnomAD compares: Non-Finnish European, 0.002%; no homozygotes.

Submission:

Labcorp Genetics (formerly Invitae), Labcorp
Classification: Uncertain significance for Hypertrophic cardiomyopathy 19. Last evaluated: 2025-12-24. Review status: criteria provided, single submitter. Criteria: Invitae Variant Classification Sherloc (09022015). Collection method: clinical testing. Allele origin: germline.
Comment: This sequence change replaces serine, which is neutral and polar, with arginine, which is basic and polar, at codon 241 of the CALR3 protein (p.Ser241Arg). This variant is present in population databases (rs753171373, gnomAD 0.01%). This variant has not been reported in the literature in individuals affected with CALR3-related conditions. ClinVar contains an entry for this variant (Variation ID: 1466533). Invitae Evidence Modeling of protein sequence and biophysical properties (such as structural, functional, and spatial information, amino acid conservation, physicochemical variation, residue mobility, and thermodynamic stability) indicates that this missense variant is not expected to disrupt CALR3 protein function with a negative predictive value of 80%. In summary, the available evidence is currently insufficient to determine the role of this variant in disease. Therefore, it has been classified as a Variant of Uncertain Significance.